The following is an entry in ClinVar:

NM_002693.3(POLG):c.2771_2773dup (p.Arg924_Lys925insArg)

Gene: POLG (DNA polymerase gamma, catalytic subunit; minus strand). Cytogenetic location: 15q26.1.
Variant type: Duplication.
Coding change: c.2771_2773dup on transcript NM_002693.3 (MANE Select); coding-DNA positions 2771 to 2773, 3 bases duplicated (GGA; older notation c.2771_2773dupGGA).
Protein change: p.Arg924_Lys925insArg.
Molecular consequence: inframe insertion.
Genome position (GRCh38, 1-based): chr15:89,320,974-89,320,976, TCC duplicated on the plus strand (GGA on the coding strand, the reverse complement: POLG is on the minus strand); duplicating any 3 consecutive bases within chr15:89,320,974-89,320,977 gives the same sequence; the c. name uses the placement nearest the transcript's 3' end. VCF-style (leftmost placement, unchanged base first): chr15-89320973-T-TTCC. GRCh37 (hg19) VCF-style: chr15-89864204-T-TTCC.
Other names: c.2771_2773dup, p.Arg924_Lys925insArg (NM_001126131.2).
Identifiers: ClinVar variation 5004553 (VCV005004553.1).

ClinVar aggregate classification (germline): Uncertain significance (1 of 4 stars; one submission).

Conditions:
POLG-related disorder. Also called: POLG-related condition; POLG-Related Disorders; POLG-Related Spectrum Disorders. Identifiers: MedGen C4763519.

Submission:

Myriad Genetics, Inc.
Classification: Uncertain significance for POLG-related disorder. Last evaluated: 2026-03-20. Review status: criteria provided, single submitter. Criteria: Myriad Autosomal Dominant, Autosomal Recessive and X-Linked Classification Criteria (2023). Collection method: clinical testing. Allele origin: unknown.
Comment: NM_002693.2(POLG):c.2771_2773dupGGA(R924dup) is an in-frame insertion classified as a variant of uncertain significance in the context of POLG-related disorders. R924dup has not been observed in cases with relevant disease. Relevant functional assessments of this variant are not available in the literature. R924dup has not been observed in referenced population frequency databases. In summary, there is insufficient evidence to classify NM_002693.2(POLG):c.2771_2773dupGGA(R924dup) as pathogenic or benign. Please note: this variant was assessed in the context of healthy population screening.